The following is an entry in ClinVar:

NM_001008537.3(NEXMIF):c.3328G>C (p.Glu1110Gln)

Gene: NEXMIF (neurite extension and migration factor; minus strand). Cytogenetic location: Xq13.3.
Variant type: single nucleotide variant.
Coding change: c.3328G>C on transcript NM_001008537.3 (MANE Select); coding-DNA position 3328, G replaced by C.
Protein change: p.Glu1110Gln; replaces glutamic acid 1110 with glutamine.
Molecular consequence: missense variant.
Genome position (GRCh38, 1-based): chrX:74,741,229, C>G on the plus strand (G>C on the coding strand, the complement: NEXMIF is on the minus strand). VCF-style: chrX-74741229-C-G. GRCh37 (hg19) VCF-style: chrX-73961064-C-G.
Other names: short protein forms E1110Q.
Identifiers: ClinVar variation 2088510 (VCV002088510.4), dbSNP rs2519912453, ClinGen allele CA413666205.

ClinVar aggregate classification (germline): Uncertain significance (1 of 4 stars; one submission).

Submission:

Labcorp Genetics (formerly Invitae), Labcorp
Classification: Uncertain significance. Last evaluated: 2022-11-22. Review status: criteria provided, single submitter. Criteria: Invitae Variant Classification Sherloc (09022015). Collection method: clinical testing. Allele origin: germline.
Comment: In summary, the available evidence is currently insufficient to determine the role of this variant in disease. Therefore, it has been classified as a Variant of Uncertain Significance. Algorithms developed to predict the effect of missense changes on protein structure and function are either unavailable or do not agree on the potential impact of this missense change (SIFT: "Deleterious"; PolyPhen-2: "Possibly Damaging"; Align-GVGD: "Class C0"). This variant has not been reported in the literature in individuals affected with NEXMIF-related conditions. This variant is not present in population databases (gnomAD no frequency). This sequence change replaces glutamic acid, which is acidic and polar, with glutamine, which is neutral and polar, at codon 1110 of the NEXMIF protein (p.Glu1110Gln).